The following is an entry in ClinVar:

NM_001283009.2(RTEL1):c.3079C>T (p.Pro1027Ser)

Genes: RTEL1-TNFRSF6B (RTEL1-TNFRSF6B readthrough (NMD candidate); plus strand), RTEL1 (regulator of telomere elongation helicase 1; plus strand). Cytogenetic location: 20q13.33.
Variant type: single nucleotide variant.
Coding change: c.3079C>T on transcript NM_001283009.2 (MANE Select); coding-DNA position 3079, C replaced by T.
Protein change: p.Pro1027Ser; replaces proline 1027 with serine.
Molecular consequence: missense variant. On other transcripts: non-coding transcript variant (1).
Genome position (GRCh38, 1-based): chr20:63,694,458, C>T. VCF-style: chr20-63694458-C-T. GRCh37 (hg19) VCF-style: chr20-62325811-C-T.
Other names: c.3151C>T (NM_032957.4); c.2410C>T, p.Pro804Ser (NM_001283010.1); c.3079C>T, p.Pro1027Ser (NM_016434.4); c.3151C>T, p.Pro1051Ser (NM_032957.5); short protein forms P1051S, P804S, P1027S.
Identifiers: ClinVar variation 1350517 (VCV001350517.6), dbSNP rs2090915113, ClinGen allele CA409684633.
Genomic context (GRCh38, chr20:63,694,458, plus strand): 5'-ACCGTGTCCACGGCTGCAGCCCAGCAGCTGGACCCCCAAGAGCACCTGAACCAGGGCAGG[C>T]CCCACCTGTCGCCCAGGCCACCCCCAACAGGTAGCTGACTCCTGAACCGTGTGCAGCCTA-3'
Protein context (NP_001269938.1, residues 1017-1037): DPQEHLNQGR[Pro1027Ser]HLSPRPPPTG

ClinVar aggregate classification (germline): Uncertain significance. Review status: criteria provided, multiple submitters, no conflicts (2 of 4 stars). 3 submissions from 3 submitters: Uncertain significance (2). 1 of the submissions does not count toward it. Last evaluated 2025-09-10.

Conditions:
Pulmonary fibrosis and/or bone marrow failure, Telomere-related, 3. Also called: PULMONARY FIBROSIS AND/OR BONE MARROW FAILURE SYNDROME, TELOMERE-RELATED, 3. Identifiers: Orphanet 2032, MedGen C4225346, MONDO:0014613, OMIM 616373.
Dyskeratosis congenita, autosomal recessive 5 (DKCB5). Identifiers: MedGen C3554656, MONDO:0014076, OMIM 615190.
Inborn genetic diseases. Identifiers: MedGen C0950123, MeSH D030342.
Dyskeratosis congenita. Identifiers: Orphanet 1775, MedGen C0265965, MONDO:0015780.

Submissions (3):

Labcorp Genetics (formerly Invitae), Labcorp
Classification: Uncertain significance for Dyskeratosis congenita, autosomal recessive 5; Pulmonary fibrosis and/or bone marrow failure, Telomere-related, 3. Last evaluated: 2025-09-10. Review status: criteria provided, single submitter. Criteria: Invitae Variant Classification Sherloc (09022015). Collection method: clinical testing. Allele origin: germline.
Comment: This sequence change replaces proline, which is neutral and non-polar, with serine, which is neutral and polar, at codon 1027 of the RTEL1 protein (p.Pro1027Ser). This variant is not present in population databases (gnomAD no frequency). This variant has not been reported in the literature in individuals affected with RTEL1-related conditions. ClinVar contains an entry for this variant (Variation ID: 1350517). An algorithm developed to predict the effect of missense changes on protein structure and function (PolyPhen-2) suggests that this variant is likely to be tolerated. In summary, the available evidence is currently insufficient to determine the role of this variant in disease. Therefore, it has been classified as a Variant of Uncertain Significance.

Ambry Genetics
Classification: Uncertain significance for Inborn genetic diseases. Last evaluated: 2025-02-03. Review status: criteria provided, single submitter. Criteria: Ambry Variant Classification Scheme 2023. Collection method: clinical testing. Allele origin: germline.
Comment: The p.P1027S variant (also known as c.3079C>T), located in coding exon 30 of the RTEL1 gene, results from a C to T substitution at nucleotide position 3079. The proline at codon 1027 is replaced by serine, an amino acid with similar properties. This amino acid position is conserved. In addition, this alteration is predicted to be tolerated by in silico analysis. Based on the available evidence, the clinical significance of this variant remains unclear.

Natera, Inc.
Classification: Uncertain significance for Dyskeratosis congenita. Last evaluated: 2025-01-30. Review status: no assertion criteria provided. Collection method: clinical testing. Allele origin: germline. Not counted in ClinVar's aggregate classification.